The following is an entry in ClinVar:

ClinVar aggregate classification (germline): Pathogenic/Likely pathogenic. Review status: criteria provided, multiple submitters, no conflicts (2 of 4 stars). 2 submissions from 2 submitters: Pathogenic (1); Likely pathogenic (1). Last evaluated 2024-09-14.

Conditions:
CPLANE1-related disorders.

Submissions (2):

Labcorp Genetics (formerly Invitae), Labcorp
Classification: Pathogenic. Last evaluated: 2024-09-14. Review status: criteria provided, single submitter. Criteria: Invitae Variant Classification Sherloc (09022015). Collection method: clinical testing. Allele origin: germline.
Comment: This sequence change creates a premature translational stop signal (p.His961Ilefs*3) in the CPLANE1 gene. It is expected to result in an absent or disrupted protein product. Loss-of-function variants in CPLANE1 are known to be pathogenic (PMID: 24178751, 26092869). This variant is not present in population databases (gnomAD no frequency). This variant has not been reported in the literature in individuals affected with CPLANE1-related conditions. For these reasons, this variant has been classified as Pathogenic.

Blueprint Genetics
Classification: Likely pathogenic for CPLANE1-related disorders. Last evaluated: 2019-02-19. Review status: criteria provided, single submitter. Criteria: ACMG Guidelines, 2015. Collection method: clinical testing. Allele origin: germline. Affected: yes. Observed: 1 variant allele.

Literature cited by the submitters: PubMed 24178751 (cited by Labcorp Genetics (formerly Invitae), Labcorp); PubMed 26092869 (cited by Labcorp Genetics (formerly Invitae), Labcorp).

NM_001384732.1(CPLANE1):c.2880del (p.His961fs)

Gene: CPLANE1 (ciliogenesis and planar polarity effector complex subunit 1; minus strand). Cytogenetic location: 5p13.2.
Variant type: Deletion.
Coding change: c.2880del on transcript NM_001384732.1 (MANE Select); coding-DNA position 2880, one base deleted (T; older notation c.2880delT).
Protein change: p.His961fs; shifts the reading frame from histidine 961.
Molecular consequence: frameshift variant.
Genome position (GRCh38, 1-based): chr5:37,213,599, A deleted on the plus strand (T on the coding strand, the reverse complement: CPLANE1 is on the minus strand). VCF-style (leftmost placement, unchanged base first): chr5-37213598-GA-G. GRCh37 (hg19) VCF-style: chr5-37213700-GA-G.
Other names: c.2880del, p.His961fs (NM_023073.4); short protein forms H961fs.
Identifiers: ClinVar variation 3608298 (VCV003608298.3).